The following is an entry in ClinVar:

ClinVar aggregate classification (germline): Benign/Likely benign. Review status: criteria provided, multiple submitters, no conflicts (2 of 4 stars). 4 submissions from 4 submitters: Benign (2); Likely benign (1). 1 of the submissions does not count toward it. Last evaluated 2026-01-28.

Conditions:
Combined immunodeficiency due to DOCK8 deficiency (HIES2). Also called: DOCK8 Deficiency; HIES autosomal recessive; HYPER-IgE SYNDROME 2, AUTOSOMAL RECESSIVE, WITH RECURRENT INFECTIONS; Hyper-IgE recurrent infection syndrome, autosomal recessive; HYPER-IgE RECURRENT INFECTION SYNDROME 2, AUTOSOMAL RECESSIVE. Identifiers: Orphanet 217390, MedGen C4722305, MONDO:0009478, OMIM 243700.
DOCK8-related disorder. Also called: DOCK8-related condition.

Allele frequency attached by ClinVar (database versions not stated): gnomAD 0.00017 and 0.00005; 1000 Genomes Project 30x 0.00078; 1000 Genomes Project 0.00100; TOPMed 0.00007.
gnomAD v4.1: 212 of 1,613,996 alleles (0.013%); highest among the groups gnomAD compares: South Asian, 0.2%; 3 homozygotes.

Submissions (4):

Labcorp Genetics (formerly Invitae), Labcorp
Classification: Benign for Combined immunodeficiency due to DOCK8 deficiency. Last evaluated: 2026-01-28. Review status: criteria provided, single submitter. Criteria: Invitae Variant Classification Sherloc (09022015). Collection method: clinical testing. Allele origin: germline.

Blueprint Genetics
Classification: Likely benign. Last evaluated: 2024-05-14. Review status: criteria provided, single submitter. Criteria: ACMG Guidelines, 2015. Collection method: clinical testing. Allele origin: germline.

Breakthrough Genomics
Classification: Benign. Review status: criteria provided, single submitter. Criteria: ACMG Guidelines, 2015. Collection method: not provided. Allele origin: germline. Inheritance: Autosomal recessive inheritance. Affected: yes.

PreventionGenetics, part of Exact Sciences
Classification: Likely benign for DOCK8-related condition. Last evaluated: 2024-01-02. Review status: no assertion criteria provided. Collection method: clinical testing. Allele origin: germline. Not counted in ClinVar's aggregate classification.
Comment: This variant is classified as likely benign based on ACMG/AMP sequence variant interpretation guidelines (Richards et al. 2015 PMID: 25741868, with internal and published modifications).

NM_203447.4(DOCK8):c.2646G>A (p.Thr882=)

Gene: DOCK8 (dedicator of cytokinesis 8; plus strand). Cytogenetic location: 9p24.3.
Variant type: single nucleotide variant.
Coding change: c.2646G>A on transcript NM_203447.4 (MANE Select); coding-DNA position 2646, G replaced by A.
Protein change: p.Thr882=; no amino-acid change (threonine 882 retained).
Molecular consequence: synonymous variant.
Genome position (GRCh38, 1-based): chr9:382,553, G>A. VCF-style: chr9-382553-G-A. GRCh37 (hg19) VCF-style: chr9-382553-G-A.
Other names: c.2442G>A, p.Thr814= (NM_001190458.2, NM_001193536.2).
Identifiers: ClinVar variation 762584 (VCV000762584.15), dbSNP rs373515697, ClinGen allele CA4958275.